The following is an entry in ClinVar:

NM_000130.5(F5):c.5789-1G>T

Gene: F5 (coagulation factor V; minus strand). Cytogenetic location: 1q24.2.
Variant type: single nucleotide variant.
Coding change: c.5789-1G>T on transcript NM_000130.5 (MANE Select); the canonical splice acceptor site of the intron before coding-DNA position 5789, G replaced by T.
Molecular consequence: splice acceptor variant.
Genome position (GRCh38, 1-based): chr1:169,523,905, C>A on the plus strand (G>T on the coding strand, the complement: F5 is on the minus strand). VCF-style: chr1-169523905-C-A. GRCh37 (hg19) VCF-style: chr1-169493143-C-A.
Identifiers: ClinVar variation 2895792 (VCV002895792.3), dbSNP rs1471977901, ClinGen allele CA343123543.

ClinVar aggregate classification (germline): Likely pathogenic (1 of 4 stars; one submission).

Conditions:
Congenital factor V deficiency. Also called: LABILE FACTOR DEFICIENCY; OWREN PARAHEMOPHILIA; PARAHEMOPHILIA; Hereditary factor V deficiency disease. Identifiers: Orphanet 326, MedGen C0015499, MONDO:0009210, OMIM 227400.

gnomAD v4.1: 4 of 1,610,144 alleles (0.00025%); highest among the groups gnomAD compares: Admixed American, 0.005%; no homozygotes.

Submission:

Labcorp Genetics (formerly Invitae), Labcorp
Classification: Likely pathogenic for Congenital factor V deficiency. Last evaluated: 2025-03-20. Review status: criteria provided, single submitter. Criteria: Invitae Variant Classification Sherloc (09022015). Collection method: clinical testing. Allele origin: germline.
Comment: This sequence change affects an acceptor splice site in intron 19 of the F5 gene. It is expected to disrupt RNA splicing. Variants that disrupt the donor or acceptor splice site typically lead to a loss of protein function (PMID: 16199547), and loss-of-function variants in F5 are known to be pathogenic (PMID: 30924984). This variant is present in population databases (no rsID available, gnomAD 0.006%). This variant has not been reported in the literature in individuals affected with F5-related conditions. ClinVar contains an entry for this variant (Variation ID: 2895792). Algorithms developed to predict the effect of sequence changes on RNA splicing suggest that this variant may disrupt the consensus splice site. In summary, the currently available evidence indicates that the variant is pathogenic, but additional data are needed to prove that conclusively. Therefore, this variant has been classified as Likely Pathogenic.

Literature cited by the submitters: PubMed 16199547; PubMed 30924984.